The following is an entry in ClinVar:

ClinVar aggregate classification (germline): Uncertain significance. Review status: criteria provided, multiple submitters, no conflicts (2 of 4 stars). 2 submissions from 2 submitters: Uncertain significance (2). Last evaluated 2025-04-18.

Conditions:
Inborn genetic diseases. Identifiers: MedGen C0950123, MeSH D030342.

Allele frequency attached by ClinVar (database versions not stated): ExAC 0.00009.

Submissions (2):

Ambry Genetics
Classification: Uncertain significance for Inborn genetic diseases. Last evaluated: 2025-04-18. Review status: criteria provided, single submitter. Criteria: Ambry Variant Classification Scheme 2023. Collection method: clinical testing. Allele origin: germline.

CeGaT Center for Human Genetics Tuebingen
Classification: Uncertain significance. Last evaluated: 2023-05-01. Review status: criteria provided, single submitter. Criteria: CeGaT Center For Human Genetics Tuebingen Variant Classification Criteria Version 2. Collection method: clinical testing. Allele origin: germline. Affected: yes. Observed: 1 variant allele.
Comment: SORD: PP2

NM_003104.6(SORD):c.130A>G (p.Ile44Val)

Gene: SORD (sorbitol dehydrogenase; plus strand). Cytogenetic location: 15q21.1.
Variant type: single nucleotide variant.
Coding change: c.130A>G on transcript NM_003104.6 (MANE Select); coding-DNA position 130, A replaced by G.
Protein change: p.Ile44Val; replaces isoleucine 44 with valine.
Molecular consequence: missense variant. On other transcripts: non-coding transcript variant (1).
Genome position (GRCh38, 1-based): chr15:45,043,286, A>G. VCF-style: chr15-45043286-A-G. GRCh37 (hg19) VCF-style: chr15-45335484-A-G.
Other names: c.130A>G (NM_003104.5); short protein forms I44V.
Identifiers: ClinVar variation 2645287 (VCV002645287.24), dbSNP rs770030139, ClinGen allele CA7537075.